The following is an entry in ClinVar:

ClinVar aggregate classification (germline): Benign. Review status: criteria provided, multiple submitters, no conflicts (2 of 4 stars). 4 submissions from 4 submitters: Benign (3). 1 of the submissions does not count toward it. Last evaluated 2026-02-04.

Conditions:
DSCAML1-related disorder. Also called: DSCAML1-related condition.

Allele frequency attached by ClinVar (database versions not stated): ESP Exome Variant Server 0.61505; gnomAD 0.63356 and 0.63064; 1000 Genomes Project 30x 0.73657; ExAC 0.61436; gnomAD exomes 0.61713 and 0.55102; 1000 Genomes Project 0.73582; TOPMed 0.65063.
gnomAD v4.1: 903,352 of 1,613,842 alleles (56%); highest among the groups gnomAD compares: East Asian, 90%; 260,957 homozygotes.

Submissions (4):

Labcorp Genetics (formerly Invitae), Labcorp
Classification: Benign. Last evaluated: 2026-02-04. Review status: criteria provided, single submitter. Criteria: Invitae Variant Classification Sherloc (09022015). Collection method: clinical testing. Allele origin: germline.

GeneDx
Classification: Benign. Last evaluated: 2021-01-13. Review status: criteria provided, single submitter. Criteria: GeneDx Variant Classification Process June 2021. Collection method: clinical testing. Allele origin: germline. Affected: yes.

Breakthrough Genomics
Classification: Benign. Review status: criteria provided, single submitter. Criteria: ACMG Guidelines, 2015. Collection method: not provided. Allele origin: germline. Inheritance: Unknown mechanism. Affected: yes.

PreventionGenetics, part of Exact Sciences
Classification: Benign for DSCAML1-related condition. Last evaluated: 2019-10-17. Review status: no assertion criteria provided. Collection method: clinical testing. Allele origin: germline. Not counted in ClinVar's aggregate classification.
Comment: This variant is classified as benign based on ACMG/AMP sequence variant interpretation guidelines (Richards et al. 2015 PMID: 25741868, with internal and published modifications).

NM_020693.4(DSCAML1):c.3201A>G (p.Gln1067=)

Gene: DSCAML1 (DS cell adhesion molecule like 1; minus strand). Cytogenetic location: 11q23.3.
Variant type: single nucleotide variant.
Coding change: c.3201A>G on transcript NM_020693.4 (MANE Select); coding-DNA position 3201, A replaced by G.
Protein change: p.Gln1067=; no amino-acid change (glutamine 1067 retained).
Molecular consequence: synonymous variant.
Genome position (GRCh38, 1-based): chr11:117,465,006, T>C on the plus strand (A>G on the coding strand, the complement: DSCAML1 is on the minus strand). VCF-style: chr11-117465006-T-C. GRCh37 (hg19) VCF-style: chr11-117335722-T-C.
Other names: c.3381A>G (NM_020693.3).
Identifiers: ClinVar variation 1250204 (VCV001250204.13), dbSNP rs538847, ClinGen allele CA6296775.